The following is an entry in ClinVar:

ClinVar aggregate classification (germline): Uncertain significance. Review status: criteria provided, multiple submitters, no conflicts (2 of 4 stars). 2 submissions from 2 submitters: Uncertain significance (2). Last evaluated 2013-02-05.

Conditions:
Cardiovascular phenotype. Identifiers: MedGen CN230736.

Allele frequency attached by ClinVar (database versions not stated): gnomAD exomes 0.00001 and below 0.00001.
gnomAD v4.1: 2 of 1,613,374 alleles (0.00012%); highest among the groups gnomAD compares: East Asian, 0.0022%; no homozygotes.

Submissions (2):

Stanford Center for Inherited Cardiovascular Disease, Stanford University
Classification: Uncertain significance. Last evaluated: 2013-02-05. Review status: criteria provided, single submitter. Criteria: ACMG Guidelines, 2015. Collection method: provider interpretation. Allele origin: germline.

Ambry Genetics
Classification: Uncertain significance for Cardiovascular phenotype. Last evaluated: 2013-02-04. Review status: criteria provided, single submitter. Criteria: Ambry Autosomal Dominant and X-Linked criteria (10/2015). Collection method: clinical testing. Allele origin: germline. Observed: 1 variant allele.
Comment: There is insufficient or conflicting evidence for classification of this alteration.

NM_001267550.2(TTN):c.25147A>G (p.Ile8383Val)

Gene: TTN (titin; minus strand). Cytogenetic location: 2q31.2.
Variant type: single nucleotide variant.
Coding change: c.25147A>G on transcript NM_001267550.2 (MANE Select); coding-DNA position 25147, A replaced by G.
Protein change: p.Ile8383Val; replaces isoleucine 8383 with valine.
Molecular consequence: missense variant. On other transcripts: intron variant (3).
Genome position (GRCh38, 1-based): chr2:178,717,727, T>C on the plus strand (A>G on the coding strand, the complement: TTN is on the minus strand). VCF-style: chr2-178717727-T-C. GRCh37 (hg19) VCF-style: chr2-179582454-T-C.
Other names: c.24196A>G, p.Ile8066Val (NM_001256850.1); c.21415A>G, p.Ile7139Val (NM_133378.4); c.13282+20355A>G (NM_003319.4); c.13858+20355A>G (NM_133437.4); c.13657+20355A>G (NM_133432.3); short protein forms I7139V, I8383V, I8066V.
Identifiers: ClinVar variation 263504 (VCV000263504.5), dbSNP rs886038829, ClinGen allele CA10587510.